The following is an entry in ClinVar:

NM_001429.4(EP300):c.3231A>G (p.Gln1077=)

Gene: EP300 (E1A binding protein p300; plus strand). Cytogenetic location: 22q13.2.
Variant type: single nucleotide variant.
Coding change: c.3231A>G on transcript NM_001429.4 (MANE Select); coding-DNA position 3231, A replaced by G.
Protein change: p.Gln1077=; no amino-acid change (glutamine 1077 retained).
Molecular consequence: synonymous variant.
Genome position (GRCh38, 1-based): chr22:41,155,083, A>G. VCF-style: chr22-41155083-A-G. GRCh37 (hg19) VCF-style: chr22-41551087-A-G.
Other names: c.3153A>G, p.Gln1051= (NM_001362843.2).
Identifiers: ClinVar variation 3352063 (VCV003352063.1).

ClinVar aggregate classification (germline): Likely benign (0 of 4 stars; one submission).

Conditions:
EP300-related disorder. Also called: EP300-related disorders; EP300-related condition.

gnomAD v4.1: 1 of 1,613,894 alleles (0.000062%); highest among the groups gnomAD compares: East Asian, 0.0022%; no homozygotes.

Submission:

PreventionGenetics, part of Exact Sciences
Classification: Likely benign for EP300-related condition. Last evaluated: 2024-04-18. Review status: no assertion criteria provided. Collection method: clinical testing. Allele origin: germline.
Comment: This variant is classified as likely benign based on ACMG/AMP sequence variant interpretation guidelines (Richards et al. 2015 PMID: 25741868, with internal and published modifications).